The following is an entry in ClinVar:

NM_001164508.2(NEB):c.7733T>C (p.Met2578Thr)

Gene: NEB (nebulin; minus strand). Cytogenetic location: 2q23.3.
Variant type: single nucleotide variant.
Coding change: c.7733T>C on transcript NM_001164508.2 (MANE Select); coding-DNA position 7733, T replaced by C.
Protein change: p.Met2578Thr; replaces methionine 2578 with threonine.
Molecular consequence: missense variant.
Genome position (GRCh38, 1-based): chr2:151,644,041, A>G on the plus strand (T>C on the coding strand, the complement: NEB is on the minus strand). VCF-style: chr2-151644041-A-G. GRCh37 (hg19) VCF-style: chr2-152500555-A-G.
Other names: c.7733T>C, p.Met2578Thr (NM_001164507.2, NM_001271208.2, NM_004543.5); short protein forms M2578T.
Identifiers: ClinVar variation 1989355 (VCV001989355.2), dbSNP rs976788462, ClinGen allele CA57628456.
Genomic context (GRCh38, chr2:151,644,041, plus strand): 5'-GTCTTCCACTTCTCAAAGTCCTTCTTGTACTCCCTGTCACTCTGGATCTTGGCCACATGC[A>G]TGGACCACATCATCTTGGGGTCATCTTCAATGTTCCGGGCACCAATGTGGTGGCCGAGCT-3'
Protein context (NP_001157980.2, residues 2568-2588): IEDDPKMMWS[Met2578Thr]HVAKIQSDRE

ClinVar aggregate classification (germline): Uncertain significance. Review status: criteria provided, multiple submitters, no conflicts (2 of 4 stars). 2 submissions from 2 submitters: Uncertain significance (2). Last evaluated 2023-10-04.

Conditions:
Nemaline myopathy 2 (NEM2). Also called: Nemaline myopathy 2, autosomal recessive. Identifiers: MedGen C1850569, MONDO:0009725, OMIM 256030.

Allele frequency attached by ClinVar (database versions not stated): gnomAD exomes below 0.00001; TOPMed 0.00001; gnomAD 0.00001.
gnomAD v4.1: 8 of 1,613,834 alleles (0.0005%); highest among the groups gnomAD compares: Non-Finnish European, 0.00042%; no homozygotes.

Submissions (2):

Revvity Omics, Revvity
Classification: Uncertain significance. Last evaluated: 2023-10-04. Review status: criteria provided, single submitter. Criteria: ACMG Guidelines, 2015. Collection method: clinical testing. Allele origin: germline.

Labcorp Genetics (formerly Invitae), Labcorp
Classification: Uncertain significance for Nemaline myopathy 2. Last evaluated: 2021-08-27. Review status: criteria provided, single submitter. Criteria: Invitae Variant Classification Sherloc (09022015). Collection method: clinical testing. Allele origin: germline.
Comment: This sequence change replaces methionine with threonine at codon 2578 of the NEB protein (p.Met2578Thr). The methionine residue is moderately conserved and there is a moderate physicochemical difference between methionine and threonine. This variant is not present in population databases (ExAC no frequency). This variant has not been reported in the literature in individuals affected with NEB-related conditions. Algorithms developed to predict the effect of missense changes on protein structure and function are either unavailable or do not agree on the potential impact of this missense change (SIFT: "Deleterious"; PolyPhen-2: "Not Available"; Align-GVGD: "Class C0"). In summary, the available evidence is currently insufficient to determine the role of this variant in disease. Therefore, it has been classified as a Variant of Uncertain Significance.